The following is an entry in ClinVar:

ClinVar aggregate classification (germline): Uncertain significance (1 of 4 stars; one submission).

Submission:

Labcorp Genetics (formerly Invitae), Labcorp
Classification: Uncertain significance. Last evaluated: 2023-04-15. Review status: criteria provided, single submitter. Criteria: Invitae Variant Classification Sherloc (09022015). Collection method: clinical testing. Allele origin: germline.
Comment: In summary, the available evidence is currently insufficient to determine the role of this variant in disease. Therefore, it has been classified as a Variant of Uncertain Significance. This variant has not been reported in the literature in individuals affected with KCNC3-related conditions. This variant is not present in population databases (gnomAD no frequency). This sequence change creates a premature translational stop signal (p.His588Argfs*27) in the KCNC3 gene. It is expected to result in an absent or disrupted protein product. However, the current clinical and genetic evidence is not sufficient to establish whether loss-of-function variants in KCNC3 cause disease.

NM_004977.3(KCNC3):c.1741_1760dup (p.His588fs)

Gene: KCNC3 (potassium voltage-gated channel subfamily C member 3; minus strand). Cytogenetic location: 19q13.33.
Variant type: Duplication.
Coding change: c.1741_1760dup on transcript NM_004977.3 (MANE Select); coding-DNA positions 1741 to 1760, 20 bases duplicated (CCGCCACCCCCGCCCCACCC).
Protein change: p.His588fs; shifts the reading frame from histidine 588.
Molecular consequence: frameshift variant.
Genome position (GRCh38, 1-based): chr19:50,323,193-50,323,212, GGGTGGGGCGGGGGTGGCGG duplicated on the plus strand (CCGCCACCCCCGCCCCACCC on the coding strand, the reverse complement: KCNC3 is on the minus strand); duplicating any 20 consecutive bases within chr19:50,323,193-50,323,219 gives the same sequence; the c. name uses the placement nearest the transcript's 3' end. VCF-style (leftmost placement, unchanged base first): chr19-50323192-C-CGGGTGGGGCGGGGGTGGCGG. GRCh37 (hg19) VCF-style: chr19-50826449-C-CGGGTGGGGCGGGGGTGGCGG.
Other names: c.1513_1532dup, p.His512fs (NM_001372305.1); short protein forms H512fs, H588fs.
Identifiers: ClinVar variation 2813856 (VCV002813856.3), dbSNP rs2513798806, ClinGen allele CA2586556627.